The following is an entry in ClinVar:

ClinVar aggregate classification (germline): Likely pathogenic (1 of 4 stars; one submission).

Submission:

Mayo Clinic Laboratories, Mayo Clinic
Classification: Likely pathogenic. Last evaluated: 2025-06-24. Review status: criteria provided, single submitter. Criteria: ACMG Guidelines, 2015. Collection method: clinical testing. Allele origin: germline. Observed: 1 variant allele.
Comment: PM2_supporting, PVS1

NM_001365276.2(TNXB):c.12114del (p.Gly4039fs)

Genes: TNXB (tenascin XB; minus strand), LOC106780803 (tenascin XB recombination region; plus strand). Cytogenetic location: 6p21.33.
Variant type: Deletion.
Coding change: c.12114del on transcript NM_001365276.2 (MANE Select); coding-DNA position 12114, one base deleted (C; older notation c.12114delC).
Protein change: p.Gly4039fs; shifts the reading frame from glycine 4039.
Molecular consequence: frameshift variant.
Genome position (GRCh38, 1-based): chr6:32,042,551, G deleted on the plus strand (C on the coding strand, the reverse complement: TNXB is on the minus strand); the first of 2 consecutive G bases (chr6:32,042,551-32,042,552); deleting either gives the same sequence. VCF-style (leftmost placement, unchanged base first): chr6-32042550-CG-C. GRCh37 (hg19) VCF-style: chr6-32010327-CG-C.
Other names: p.Gly4037Valfs*18; c.12855del, p.Gly4286fs (NM_001428335.1); c.12108del, p.Gly4037fs (NM_019105.8); c.1401del, p.Gly468fs (NM_032470.4); short protein forms G4037fs, G4286fs, G4039fs, G468fs.
Identifiers: ClinVar variation 4541115 (VCV004541115.1).